The following is an entry in ClinVar:

NM_015338.6(ASXL1):c.1378G>A (p.Gly460Arg)

Gene: ASXL1 (ASXL transcriptional regulator 1; plus strand). Cytogenetic location: 20q11.21.
Variant type: single nucleotide variant.
Coding change: c.1378G>A on transcript NM_015338.6 (MANE Select); coding-DNA position 1378, G replaced by A.
Protein change: p.Gly460Arg; replaces glycine 460 with arginine.
Molecular consequence: missense variant.
Genome position (GRCh38, 1-based): chr20:32,433,576, G>A. VCF-style: chr20-32433576-G-A. GRCh37 (hg19) VCF-style: chr20-31021379-G-A.
Other names: c.1195G>A, p.Gly399Arg (NM_001363734.1); short protein forms G460R, G399R.
Identifiers: ClinVar variation 4827437 (VCV004827437.1).

ClinVar aggregate classification (germline): Uncertain significance (1 of 4 stars; one submission).

Conditions:
Inborn genetic diseases. Identifiers: MedGen C0950123, MeSH D030342.

Submission:

Ambry Genetics
Classification: Uncertain significance for Inborn genetic diseases. Last evaluated: 2026-03-12. Review status: criteria provided, single submitter. Criteria: Ambry Variant Classification Scheme 2023. Collection method: clinical testing. Allele origin: germline.
Comment: The p.G460R variant (also known as c.1378G>A), located in coding exon 12 of the ASXL1 gene, results from a G to A substitution at nucleotide position 1378. The glycine at codon 460 is replaced by arginine, an amino acid with dissimilar properties. This amino acid position is conserved. In addition, this alteration is predicted to be tolerated by in silico analysis. Based on the available evidence, the clinical significance of this variant remains unclear.